The following is an entry in ClinVar:

NM_017780.4(CHD7):c.5029C>A (p.Arg1677=)

Gene: CHD7 (chromodomain helicase DNA binding protein 7; plus strand). Cytogenetic location: 8q12.2.
Variant type: single nucleotide variant.
Coding change: c.5029C>A on transcript NM_017780.4 (MANE Select); coding-DNA position 5029, C replaced by A.
Protein change: p.Arg1677=; no amino-acid change (arginine 1677 retained).
Molecular consequence: synonymous variant. On other transcripts: intron variant (1).
Genome position (GRCh38, 1-based): chr8:60,845,042, C>A. VCF-style: chr8-60845042-C-A. GRCh37 (hg19) VCF-style: chr8-61757601-C-A.
Other names: c.5029C>A (NM_017780.3); c.1717-17187C>A (NM_001316690.1).
Identifiers: ClinVar variation 1201277 (VCV001201277.14), dbSNP rs777652245, ClinGen allele CA4760243.

ClinVar aggregate classification (germline): Likely benign. Review status: criteria provided, multiple submitters, no conflicts (2 of 4 stars). 4 submissions from 4 submitters: Likely benign (3). 1 of the submissions does not count toward it. Last evaluated 2025-09-02.

Conditions:
CHD7-related disorder. Also called: CHD7-related condition.
CHARGE syndrome (CHARGE). Also called: Hittner Hirsch Kreh syndrome; CHARGE ASSOCIATION--COLOBOMA, HEART ANOMALY, CHOANAL ATRESIA, RETARDATION, GENITAL AND EAR ANOMALIES; Coloboma, heart anomaly, choanal atresia, retardation, genital and ear anomalies; CHARGE association; Hall-Hittner syndrome. Identifiers: Orphanet 138, MedGen C0265354, MONDO:0008965.
Hypogonadotropic hypogonadism 5 with or without anosmia (KAL5). Also called: HYPOGONADOTROPIC HYPOGONADISM 5 WITH ANOSMIA; HYPOGONADOTROPHIC HYPOGONADISM 5 WITHOUT ANOSMIA; CHD7-Related GnRH Deficiency (Kallmann Syndrome 5). Identifiers: Orphanet 478, MedGen C3552553, MONDO:0012880, OMIM 612370. Disease mechanism: loss of function.

Allele frequency attached by ClinVar (database versions not stated): TOPMed below 0.00001; gnomAD exomes 0.00003 and 0.00004; ExAC 0.00006.
gnomAD v4.1: 16 of 1,613,946 alleles (0.00099%); highest among the groups gnomAD compares: Admixed American, 0.027%; no homozygotes.

Submissions (4):

Labcorp Genetics (formerly Invitae), Labcorp
Classification: Likely benign for CHARGE syndrome. Last evaluated: 2025-09-02. Review status: criteria provided, single submitter. Criteria: Invitae Variant Classification Sherloc (09022015). Collection method: clinical testing. Allele origin: germline.

Fulgent Genetics
Classification: Likely benign for CHD7-related CHARGE syndrome; Hypogonadotropic hypogonadism 5 with or without anosmia. Last evaluated: 2022-01-29. Review status: criteria provided, single submitter. Criteria: ACMG Guidelines, 2015. Collection method: clinical testing. Allele origin: unknown.

GeneDx
Classification: Likely benign. Last evaluated: 2020-08-12. Review status: criteria provided, single submitter. Criteria: GeneDx Variant Classification Process June 2021. Collection method: clinical testing. Allele origin: germline. Affected: yes.

PreventionGenetics, part of Exact Sciences
Classification: Likely benign for CHD7-related condition. Last evaluated: 2019-06-04. Review status: no assertion criteria provided. Collection method: clinical testing. Allele origin: germline. Not counted in ClinVar's aggregate classification.
Comment: This variant is classified as likely benign based on ACMG/AMP sequence variant interpretation guidelines (Richards et al. 2015 PMID: 25741868, with internal and published modifications).